The following is an entry in ClinVar:

NM_001191061.2(SLC25A22):c.646C>T (p.Arg216Cys)

Gene: SLC25A22 (solute carrier family 25 member 22; minus strand). Cytogenetic location: 11p15.5.
Variant type: single nucleotide variant.
Coding change: c.646C>T on transcript NM_001191061.2 (MANE Select); coding-DNA position 646, C replaced by T.
Protein change: p.Arg216Cys; replaces arginine 216 with cysteine.
Molecular consequence: missense variant.
Genome position (GRCh38, 1-based): chr11:792,400, G>A on the plus strand (C>T on the coding strand, the complement: SLC25A22 is on the minus strand). VCF-style: chr11-792400-G-A. GRCh37 (hg19) VCF-style: chr11-792400-G-A.
Other names: c.646C>T, p.Arg216Cys (NM_001191060.2, NM_024698.6); short protein forms R216C.
Identifiers: ClinVar variation 461377 (VCV000461377.9), dbSNP rs771544252, ClinGen allele CA5789111.

ClinVar aggregate classification (germline): Uncertain significance. Review status: criteria provided, multiple submitters, no conflicts (2 of 4 stars). 2 submissions from 2 submitters: Uncertain significance (2). Last evaluated 2023-09-29.

Conditions:
Early-infantile DEE. Also called: Early infantile epileptic encephalopathy; Ohtahara syndrome; Early infantile epileptic encephalopathy with suppression bursts. Identifiers: Orphanet 1934, MedGen C0393706, MONDO:0800491.
Inborn genetic diseases. Identifiers: MedGen C0950123, MeSH D030342.

Allele frequency attached by ClinVar (database versions not stated): ExAC 0.00001; TOPMed 0.00001; gnomAD 0.00002 and 0.00003; gnomAD exomes 0.00002.

Submissions (2):

Ambry Genetics
Classification: Uncertain significance for Inborn genetic diseases. Last evaluated: 2023-09-29. Review status: criteria provided, single submitter. Criteria: Ambry Variant Classification Scheme 2023. Collection method: clinical testing. Allele origin: germline.

Labcorp Genetics (formerly Invitae), Labcorp
Classification: Uncertain significance for Early-infantile DEE. Last evaluated: 2022-10-17. Review status: criteria provided, single submitter. Criteria: Invitae Variant Classification Sherloc (09022015). Collection method: clinical testing. Allele origin: germline.
Comment: In summary, the available evidence is currently insufficient to determine the role of this variant in disease. Therefore, it has been classified as a Variant of Uncertain Significance. Advanced modeling of protein sequence and biophysical properties (such as structural, functional, and spatial information, amino acid conservation, physicochemical variation, residue mobility, and thermodynamic stability) performed at Invitae indicates that this missense variant is not expected to disrupt SLC25A22 protein function. ClinVar contains an entry for this variant (Variation ID: 461377). This variant has not been reported in the literature in individuals affected with SLC25A22-related conditions. This variant is present in population databases (rs771544252, gnomAD 0.02%). This sequence change replaces arginine, which is basic and polar, with cysteine, which is neutral and slightly polar, at codon 216 of the SLC25A22 protein (p.Arg216Cys).